The following is an entry in ClinVar:

ClinVar aggregate classification (germline): Benign. Review status: criteria provided, multiple submitters, no conflicts (2 of 4 stars). 8 submissions from 7 submitters: Benign (8). Last evaluated 2026-02-04.

Conditions:
Ectodermal dysplasia 11B, hypohidrotic/hair/tooth type, autosomal recessive. Identifiers: Orphanet 238468, Orphanet 248, MedGen C3539920, MONDO:0013983, OMIM 614941.
Ectodermal dysplasia 11A, hypohidrotic/hair/tooth type, autosomal dominant. Identifiers: Orphanet 1810, Orphanet 238468, MedGen C3541517, MONDO:0013982, OMIM 614940.
Hypohidrotic ectodermal dysplasia (HED). Identifiers: Orphanet 238468, MedGen C5848103, MONDO:0016535, HP:0007607.

Allele frequency attached by ClinVar (database versions not stated): TOPMed 0.75864; 1000 Genomes Project 30x 0.76796; gnomAD exomes 0.84467 and 0.84102; ESP Exome Variant Server 0.73835; gnomAD 0.75593; 1000 Genomes Project 0.77676.
gnomAD v4.1: 1,350,401 of 1,613,834 alleles (84%); highest among the groups gnomAD compares: East Asian, 94%; 569,226 homozygotes.

Submissions (8):

Labcorp Genetics (formerly Invitae), Labcorp
Classification: Benign for Ectodermal dysplasia 11B, hypohidrotic/hair/tooth type, autosomal recessive; Ectodermal dysplasia 11A, hypohidrotic/hair/tooth type, autosomal dominant. Last evaluated: 2026-02-04. Review status: criteria provided, single submitter. Criteria: Invitae Variant Classification Sherloc (09022015). Collection method: clinical testing. Allele origin: germline.

ARUP Laboratories, Molecular Genetics and Genomics, ARUP Laboratories
Classification: Benign. Last evaluated: 2023-11-29. Review status: criteria provided, single submitter. Criteria: ARUP Molecular Germline Variant Investigation Process 2024. Collection method: clinical testing. Allele origin: germline.

Genome-Nilou Lab
Classification: Benign for Ectodermal dysplasia 11A, hypohidrotic/hair/tooth type, autosomal dominant. Last evaluated: 2021-07-30. Review status: criteria provided, single submitter. Criteria: ACMG Guidelines, 2015. Collection method: clinical testing. Allele origin: germline. Affected: no.

Genome-Nilou Lab
Classification: Benign for Ectodermal dysplasia 11B, hypohidrotic/hair/tooth type, autosomal recessive. Last evaluated: 2021-07-30. Review status: criteria provided, single submitter. Criteria: ACMG Guidelines, 2015. Collection method: clinical testing. Allele origin: germline. Affected: no.

Illumina Laboratory Services, Illumina
Classification: Benign for Hypohidrotic ectodermal dysplasia. Last evaluated: 2018-01-13. Review status: criteria provided, single submitter. Criteria: ICSL Variant Classification Criteria 13 December 2019. Collection method: clinical testing. Allele origin: germline.
Comment: This variant was observed in the ICSL laboratory as part of a predisposition screen in an ostensibly healthy population. It had not been previously curated by ICSL or reported in the Human Gene Mutation Database (HGMD: prior to June 1st, 2018), and was therefore a candidate for classification through an automated scoring system. Utilizing variant allele frequency, disease prevalence and penetrance estimates, and inheritance mode, an automated score was calculated to assess if this variant is too frequent to cause the disease. Based on the score and internal cut-off values, a variant classified as benign is not then subjected to further curation. The score for this variant resulted in a classification of benign for this disease.

GeneDx
Classification: Benign. Last evaluated: 2015-03-03. Review status: criteria provided, single submitter. Criteria: GeneDx Variant Classification Process June 2021. Collection method: clinical testing. Allele origin: germline. Affected: yes.

Breakthrough Genomics
Classification: Benign. Review status: criteria provided, single submitter. Criteria: ACMG Guidelines, 2015. Collection method: not provided. Allele origin: germline. Inheritance: Autosomal recessive inheritance. Affected: yes.

PreventionGenetics, part of Exact Sciences
Classification: Benign. Review status: criteria provided, single submitter. Criteria: ACMG Guidelines, 2015. Collection method: clinical testing. Allele origin: germline.

NM_145861.4(EDARADD):c.27G>A (p.Met9Ile)

Gene: EDARADD (EDAR associated via death domain; plus strand). Cytogenetic location: 1q42.3.
Variant type: single nucleotide variant.
Coding change: c.27G>A on transcript NM_145861.4 (MANE Select); coding-DNA position 27, G replaced by A.
Protein change: p.Met9Ile; replaces methionine 9 with isoleucine.
Molecular consequence: missense variant.
Genome position (GRCh38, 1-based): chr1:236,394,471, G>A. VCF-style: chr1-236394471-G-A. GRCh37 (hg19) VCF-style: chr1-236557771-G-A.
Other names: short protein forms M9I.
Identifiers: ClinVar variation 262600 (VCV000262600.31), dbSNP rs966365, ClinGen allele CA1469907.